The following is an entry in ClinVar:

ClinVar aggregate classification (germline): Uncertain significance. Review status: criteria provided, multiple submitters, no conflicts (2 of 4 stars). 4 submissions from 4 submitters: Uncertain significance (4). Last evaluated 2025-11-10.

Conditions:
Hereditary cancer-predisposing syndrome. Also called: Neoplastic Syndromes, Hereditary; Tumor predisposition; Hereditary neoplastic syndrome; Hereditary Cancer Syndrome. Identifiers: Orphanet 140162, MedGen C0027672, MeSH D009386, MONDO:0015356.
Classic or attenuated familial adenomatous polyposis. Identifiers: MedGen CN372698, MONDO:0021057.
Familial adenomatous polyposis 1 (FAP1). Also called: POLYPOSIS, ADENOMATOUS INTESTINAL; FAMILIAL ADENOMATOUS POLYPOSIS 1, ATTENUATED. Identifiers: MedGen C2713442, MONDO:0021056, OMIM 175100. Disease mechanism: loss of function.

Allele frequency attached by ClinVar (database versions not stated): gnomAD exomes below 0.00001.
gnomAD v4.1: 2 of 1,613,796 alleles (0.00012%); highest among the groups gnomAD compares: East Asian, 0.0045%; no homozygotes.

Submissions (4):

Labcorp Genetics (formerly Invitae), Labcorp
Classification: Uncertain significance for Familial adenomatous polyposis 1. Last evaluated: 2025-11-10. Review status: criteria provided, single submitter. Criteria: Invitae Variant Classification Sherloc (09022015). Collection method: clinical testing. Allele origin: germline.
Comment: This sequence change replaces alanine, which is neutral and non-polar, with valine, which is neutral and non-polar, at codon 2354 of the APC protein (p.Ala2354Val). This variant is not present in population databases (gnomAD no frequency). This variant has not been reported in the literature in individuals affected with APC-related conditions. ClinVar contains an entry for this variant (Variation ID: 628252). Invitae Evidence Modeling of protein sequence and biophysical properties (such as structural, functional, and spatial information, amino acid conservation, physicochemical variation, residue mobility, and thermodynamic stability) indicates that this missense variant is not expected to disrupt APC protein function with a negative predictive value of 95%. In summary, the available evidence is currently insufficient to determine the role of this variant in disease. Therefore, it has been classified as a Variant of Uncertain Significance.

Ambry Genetics
Classification: Uncertain significance for Hereditary cancer-predisposing syndrome. Last evaluated: 2025-03-28. Review status: criteria provided, single submitter. Criteria: Ambry Variant Classification Scheme 2023. Collection method: clinical testing. Allele origin: germline.
Comment: The p.A2354V variant (also known as c.7061C>T), located in coding exon 15 of the APC gene, results from a C to T substitution at nucleotide position 7061. The alanine at codon 2354 is replaced by valine, an amino acid with similar properties. Missense alterations in APC are not a common cause of disease (Spier I et al. Genet Med. 2024 Feb;26(2):100992). This amino acid position is well conserved in available vertebrate species. In addition, in silico predictors for this gene do not accurately predict pathogenicity. Based on the available evidence, the clinical significance of this variant remains unclear.

All of Us Research Program, National Institutes of Health
Classification: Uncertain significance for Classic or attenuated familial adenomatous polyposis. Last evaluated: 2024-04-16. Review status: criteria provided, single submitter. Criteria: ACMG Guidelines, 2015. Collection method: clinical testing. Allele origin: germline. Inheritance: Autosomal dominant inheritance. Observed: 2 variant alleles, 2 heterozygotes.
Comment: This missense variant replaces alanine with valine at codon 2354 of the APC protein. Computational prediction suggests that this variant may not impact protein structure and function (internally defined REVEL score threshold <= 0.5, PMID: 27666373). To our knowledge, functional studies have not been reported for this variant. This variant has not been reported in individuals affected with APC-related disorders in the literature. This variant has not been identified in the general population by the Genome Aggregation Database (gnomAD). The available evidence is insufficient to determine the role of this variant in disease conclusively. Therefore, this variant is classified as a Variant of Uncertain Significance.

This study involves interpretation of variants in research participants for the purpose of population health screening. Participant phenotype was not available at the time of variant classification. Additional details can be found in publication PMID: 35346344, PMCID: PMC8962531

Color Diagnostics, LLC DBA Color Health
Classification: Uncertain significance for Hereditary cancer-predisposing syndrome. Last evaluated: 2024-03-06. Review status: criteria provided, single submitter. Criteria: ACMG Guidelines, 2015. Collection method: clinical testing. Allele origin: germline.
Comment: This missense variant replaces alanine with valine at codon 2354 of the APC protein. Computational prediction suggests that this variant may not impact protein structure and function (internally defined REVEL score threshold <= 0.5, PMID: 27666373). To our knowledge, functional studies have not been reported for this variant. This variant has not been reported in individuals affected with APC-related disorders in the literature. This variant has not been identified in the general population by the Genome Aggregation Database (gnomAD). The available evidence is insufficient to determine the role of this variant in disease conclusively. Therefore, this variant is classified as a Variant of Uncertain Significance.

NM_000038.6(APC):c.7061C>T (p.Ala2354Val)

Gene: APC (APC regulator of Wnt signaling pathway; plus strand). Cytogenetic location: 5q22.2.
Variant type: single nucleotide variant.
Coding change: c.7061C>T on transcript NM_000038.6 (MANE Select); coding-DNA position 7061, C replaced by T.
Protein change: p.Ala2354Val; replaces alanine 2354 with valine.
Molecular consequence: missense variant.
Genome position (GRCh38, 1-based): chr5:112,842,655, C>T. VCF-style: chr5-112842655-C-T. GRCh37 (hg19) VCF-style: chr5-112178352-C-T.
Other names: c.7061C>T, p.Ala2354Val (NM_001127510.3, NM_001354895.2); c.7007C>T, p.Ala2336Val (NM_001127511.3); c.7115C>T, p.Ala2372Val (NM_001354896.2); c.7091C>T, p.Ala2364Val (NM_001354897.2); c.6986C>T, p.Ala2329Val (NM_001354898.2); c.6977C>T, p.Ala2326Val (NM_001354899.2); c.6938C>T, p.Ala2313Val (NM_001354900.2); c.6884C>T, p.Ala2295Val (NM_001354901.2); and 5 more; short protein forms A2336V, A2354V, A2263V, A2313V, A2329V, A2194V, A2326V, A2364V.
Identifiers: ClinVar variation 628252 (VCV000628252.61), dbSNP rs1426200650, ClinGen allele CA16036719.